The following is an entry in ClinVar:

NM_007373.4(SHOC2):c.5G>T (p.Ser2Ile)

Gene: SHOC2 (SHOC2 leucine rich repeat scaffold protein; plus strand). Cytogenetic location: 10q25.2.
Variant type: single nucleotide variant.
Coding change: c.5G>T on transcript NM_007373.4 (MANE Select); coding-DNA position 5, G replaced by T.
Protein change: p.Ser2Ile; replaces serine 2 with isoleucine.
Molecular consequence: missense variant. On other transcripts: 5 prime UTR variant (1), non-coding transcript variant (1), intron variant (3).
Genome position (GRCh38, 1-based): chr10:110,964,363, G>T. VCF-style: chr10-110964363-G-T. GRCh37 (hg19) VCF-style: chr10-112724121-G-T.
Other names: c.5G>T, p.Ser2Ile (NM_001269039.3, NM_001324336.2, NM_001324337.2 and 4 more transcripts); c.-782G>T (NM_001441188.1); c.-380-21265G>T (NM_001441190.1); c.-249-21265G>T (NM_001441191.1); c.-242-36052G>T (NM_001441189.1); short protein forms S2I.
Identifiers: ClinVar variation 4975733 (VCV004975733.1).

ClinVar aggregate classification (germline): Likely pathogenic (1 of 4 stars; one submission).

Submission:

GeneDx
Classification: Likely pathogenic. Last evaluated: 2026-03-13. Review status: criteria provided, single submitter. Criteria: GeneDx Variant Classification Process June 2021. Collection method: clinical testing. Allele origin: germline.
Comment: Not observed at significant frequency in large population cohorts (gnomAD); In silico analysis suggests that this missense variant does not alter protein structure/function; Has not been previously published as pathogenic or benign to our knowledge; This variant is associated with the following publications: (PMID: 19684605, 29493581)